The following is an entry in ClinVar:

NM_004168.4(SDHA):c.1412_1414delinsAA (p.Ile471fs)

Gene: SDHA (succinate dehydrogenase complex flavoprotein subunit A; plus strand). Cytogenetic location: 5p15.33.
Variant type: Indel.
Coding change: c.1412_1414delinsAA on transcript NM_004168.4 (MANE Select); coding-DNA positions 1412 to 1414, TCG replaced by AA.
Protein change: p.Ile471fs; shifts the reading frame from isoleucine 471.
Molecular consequence: frameshift variant.
Genome position (GRCh38, 1-based): chr5:236,579-236,581, TCG replaced by AA. VCF-style: chr5-236579-TCG-AA. GRCh37 (hg19) VCF-style: chr5-236694-TCG-AA.
Other names: c.1268_1270delinsAA, p.Ile423fs (NM_001294332.2); c.1412_1414delinsAA, p.Ile471fs (NM_001330758.2); short protein forms I423fs, I471fs.
Identifiers: ClinVar variation 4864214 (VCV004864214.1).

ClinVar aggregate classification (germline): Pathogenic (1 of 4 stars; one submission).

Conditions:
Hereditary cancer-predisposing syndrome. Also called: Neoplastic Syndromes, Hereditary; Tumor predisposition; Hereditary Cancer Syndrome; Hereditary neoplastic syndrome. Identifiers: Orphanet 140162, MedGen C0027672, MeSH D009386, MONDO:0015356.

Submission:

Ambry Genetics
Classification: Pathogenic for Hereditary cancer-predisposing syndrome. Last evaluated: 2026-03-20. Review status: criteria provided, single submitter. Criteria: Ambry Variant Classification Scheme 2023. Collection method: clinical testing. Allele origin: germline.
Comment: The c.1412_1414delTCGinsAA pathogenic mutation, located in coding exon 10 of the SDHA gene, results from the deletion of 3 nucleotides and insertion of two nucleotides causing a translational frameshift with a predicted alternate stop codon (p.I471Kfs*24). This variant is considered to be rare based on population cohorts in the Genome Aggregation Database (gnomAD). This alteration is expected to result in loss of function by premature protein truncation or nonsense-mediated mRNA decay. As such, this alteration is interpreted as a disease-causing mutation.